The following is an entry in ClinVar:

NM_020937.4(FANCM):c.4776G>A (p.Ser1592=)

Gene: FANCM (FA complementation group M; plus strand). Cytogenetic location: 14q21.2.
Variant type: single nucleotide variant.
Coding change: c.4776G>A on transcript NM_020937.4 (MANE Select); coding-DNA position 4776, G replaced by A.
Protein change: p.Ser1592=; no amino-acid change (serine 1592 retained).
Molecular consequence: synonymous variant.
Genome position (GRCh38, 1-based): chr14:45,187,884, G>A. VCF-style: chr14-45187884-G-A. GRCh37 (hg19) VCF-style: chr14-45657087-G-A.
Other names: c.4698G>A, p.Ser1566= (NM_001308133.2); c.4776G>A (NM_020937.3).
Identifiers: ClinVar variation 701078 (VCV000701078.37), dbSNP rs964884247, ClinGen allele CA259635453.
Genomic context (GRCh38, chr14:45,187,884, plus strand): 5'-AATGATGAACAATAAGTACAAAATGATTCATAAGACACATAAAAACATAAACATTTTCTC[G>A]CAGGTATGAACTATAGAAATATAATGGAGAATTTCTGGATGATGATGTTGAAATATGTTC-3'
Protein context (NP_065988.1, residues 1582-1602): HKTHKNINIF[Ser1592=]QIPEQDETYL

ClinVar aggregate classification (germline): Likely benign. Review status: criteria provided, multiple submitters, no conflicts (2 of 4 stars). 6 submissions from 6 submitters: Likely benign (6). Last evaluated 2025-10-06.

Conditions:
Inborn genetic diseases. Identifiers: MedGen C0950123, MeSH D030342.
Fanconi anemia (FA). Also called: Fanconi's anemia. Identifiers: Orphanet 84, MedGen C0015625, MeSH D005199, MONDO:0019391.

Allele frequency attached by ClinVar (database versions not stated): gnomAD exomes 0.00001 and 0.00005; gnomAD 0.00005; TOPMed 0.00007.
gnomAD v4.1: 70 of 1,393,414 alleles (0.005%); highest among the groups gnomAD compares: African/African-American, 0.0071%; no homozygotes.

Submissions (6):

Labcorp Genetics (formerly Invitae), Labcorp
Classification: Likely benign for Fanconi anemia. Last evaluated: 2025-10-06. Review status: criteria provided, single submitter. Criteria: Invitae Variant Classification Sherloc (09022015). Collection method: clinical testing. Allele origin: germline.

Quest Diagnostics Nichols Institute San Juan Capistrano
Classification: Likely benign. Last evaluated: 2025-04-09. Review status: criteria provided, single submitter. Criteria: Quest Diagnostics criteria. Collection method: clinical testing. Allele origin: unknown.

Ambry Genetics
Classification: Likely benign for Inborn genetic diseases. Last evaluated: 2024-10-04. Review status: criteria provided, single submitter. Criteria: Ambry Variant Classification Scheme 2023. Collection method: clinical testing. Allele origin: germline.

CeGaT Center for Human Genetics Tuebingen
Classification: Likely benign. Last evaluated: 2023-09-01. Review status: criteria provided, single submitter. Criteria: CeGaT Center For Human Genetics Tuebingen Variant Classification Criteria Version 2. Collection method: clinical testing. Allele origin: germline. Affected: yes. Observed: 1 variant allele.
Comment: FANCM: BP4, BP7

Blueprint Genetics
Classification: Likely benign. Last evaluated: 2023-08-18. Review status: criteria provided, single submitter. Criteria: ACMG Guidelines, 2015. Collection method: clinical testing. Allele origin: germline.

GeneDx
Classification: Likely benign. Last evaluated: 2021-05-17. Review status: criteria provided, single submitter. Criteria: GeneDx Variant Classification Process June 2021. Collection method: clinical testing. Allele origin: germline. Affected: yes.